The following is an entry in ClinVar:

NM_001386140.1(MTTP):c.1475A>T (p.Tyr492Phe)

Gene: MTTP (microsomal triglyceride transfer protein; plus strand). Cytogenetic location: 4q23.
Variant type: single nucleotide variant.
Coding change: c.1475A>T on transcript NM_001386140.1 (MANE Select); coding-DNA position 1475, A replaced by T.
Protein change: p.Tyr492Phe; replaces tyrosine 492 with phenylalanine.
Molecular consequence: missense variant.
Genome position (GRCh38, 1-based): chr4:99,606,878, A>T. VCF-style: chr4-99606878-A-T. GRCh37 (hg19) VCF-style: chr4-100528035-A-T.
Other names: c.1475A>T, p.Tyr492Phe (NM_000253.4); c.1226A>T, p.Tyr409Phe (NM_001300785.2); short protein forms Y409F, Y492F.
Identifiers: ClinVar variation 1968299 (VCV001968299.2), dbSNP rs2476134886, ClinGen allele CA357510753.
Genomic context (GRCh38, chr4:99,606,878, plus strand): 5'-TGTATCTGCTGGCTTTGAAGAATGCCCTGCTTCCAGAAGGCATCCCAAGTCTTCTGAAGT[A>T]TGCAGAAGCAGGAGAAGGGCCCATCAGCCACCTGGCTACCACTGCTCTCCAGAGATATGA-3'
Protein context (NP_001373069.1, residues 482-502): LPEGIPSLLK[Tyr492Phe]AEAGEGPISH

ClinVar aggregate classification (germline): Uncertain significance (1 of 4 stars; one submission).

Allele frequency attached by ClinVar (database versions not stated): gnomAD exomes below 0.00001.
gnomAD v4.1: 1 of 1,614,080 alleles (0.000062%); highest among the groups gnomAD compares: East Asian, 0.0022%; no homozygotes.

Submission:

Labcorp Genetics (formerly Invitae), Labcorp
Classification: Uncertain significance. Last evaluated: 2021-09-03. Review status: criteria provided, single submitter. Criteria: Invitae Variant Classification Sherloc (09022015). Collection method: clinical testing. Allele origin: germline.
Comment: This sequence change replaces tyrosine with phenylalanine at codon 492 of the MTTP protein (p.Tyr492Phe). The tyrosine residue is highly conserved and there is a small physicochemical difference between tyrosine and phenylalanine. This variant is not present in population databases (ExAC no frequency). This variant has not been reported in the literature in individuals affected with MTTP-related conditions. Algorithms developed to predict the effect of missense changes on protein structure and function (SIFT, PolyPhen-2, Align-GVGD) all suggest that this variant is likely to be tolerated. In summary, the available evidence is currently insufficient to determine the role of this variant in disease. Therefore, it has been classified as a Variant of Uncertain Significance.